The following is an entry in ClinVar:

NM_153704.6(TMEM67):c.1160T>G (p.Ile387Ser)

Gene: TMEM67 (transmembrane protein 67; plus strand). Cytogenetic location: 8q22.1.
Variant type: single nucleotide variant.
Coding change: c.1160T>G on transcript NM_153704.6 (MANE Select); coding-DNA position 1160, T replaced by G.
Protein change: p.Ile387Ser; replaces isoleucine 387 with serine.
Molecular consequence: missense variant. On other transcripts: non-coding transcript variant (1).
Genome position (GRCh38, 1-based): chr8:93,785,250, T>G. VCF-style: chr8-93785250-T-G. GRCh37 (hg19) VCF-style: chr8-94797478-T-G.
Other names: c.917T>G, p.Ile306Ser (NM_001142301.1); short protein forms I387S, I306S.
Identifiers: ClinVar variation 2198425 (VCV002198425.3), dbSNP rs751579178, ClinGen allele CA4807896.
Genomic context (GRCh38, chr8:93,785,250, plus strand): 5'-TATGTGCTTTTATTTTTAATTTTACTTTTCAGTGTGAGATTCCTATCTCTAAGATCTTAA[T>G]TGACTTTCCCACTCCTATATTTTATGATGTGTACCTTGAATATACTGATGAAAATCAACA-3'
Protein context (NP_714915.3, residues 377-397): NCEIPISKIL[Ile387Ser]DFPTPIFYDV

ClinVar aggregate classification (germline): Uncertain significance. Review status: criteria provided, multiple submitters, no conflicts (2 of 4 stars). 3 submissions from 3 submitters: Uncertain significance (2). 1 of the submissions does not count toward it. Last evaluated 2025-04-12.

Conditions:
Joubert syndrome. Also called: JOUBERT-BOLTSHAUSER SYNDROME; Familial aplasia of the vermis. Identifiers: Orphanet 475, MedGen C5979921, MONDO:0018772.
Meckel-Gruber syndrome. Also called: Dysencephalia splachnocystica; DYSENCEPHALIA SPLANCHNOCYSTICA; GRUBER SYNDROME. Identifiers: Orphanet 564, MedGen C0265215, MONDO:0018921.
TMEM67-related disorder. Also called: TMEM67-related condition; TMEM67-related disorders. Identifiers: MedGen CN239423.
Inborn genetic diseases. Identifiers: MedGen C0950123, MeSH D030342.

Allele frequency attached by ClinVar (database versions not stated): ExAC 0.00001.
gnomAD v4.1: 5 of 1,594,512 alleles (0.00031%); highest among the groups gnomAD compares: Non-Finnish European, 0.00043%; no homozygotes.

Submissions (3):

Ambry Genetics
Classification: Uncertain significance for Inborn genetic diseases. Last evaluated: 2025-04-12. Review status: criteria provided, single submitter. Criteria: Ambry Variant Classification Scheme 2023. Collection method: clinical testing. Allele origin: germline.

Labcorp Genetics (formerly Invitae), Labcorp
Classification: Uncertain significance for Joubert syndrome; Meckel-Gruber syndrome. Last evaluated: 2022-06-01. Review status: criteria provided, single submitter. Criteria: Invitae Variant Classification Sherloc (09022015). Collection method: clinical testing. Allele origin: germline.
Comment: This sequence change replaces isoleucine, which is neutral and non-polar, with serine, which is neutral and polar, at codon 387 of the TMEM67 protein (p.Ile387Ser). This variant is present in population databases (rs751579178, gnomAD 0.0009%). This variant has not been reported in the literature in individuals affected with TMEM67-related conditions. Advanced modeling of protein sequence and biophysical properties (such as structural, functional, and spatial information, amino acid conservation, physicochemical variation, residue mobility, and thermodynamic stability) performed at Invitae indicates that this missense variant is not expected to disrupt TMEM67 protein function. In summary, the available evidence is currently insufficient to determine the role of this variant in disease. Therefore, it has been classified as a Variant of Uncertain Significance.

PreventionGenetics, part of Exact Sciences
Classification: Uncertain significance for TMEM67-related condition. Last evaluated: 2024-09-25. Review status: no assertion criteria provided. Collection method: clinical testing. Allele origin: germline. Not counted in ClinVar's aggregate classification.
Comment: The TMEM67 c.1160T>G variant is predicted to result in the amino acid substitution p.Ile387Ser. To our knowledge, this variant has not been reported in the literature. This variant is reported in 0.00088% of alleles in individuals of European (non-Finnish) descent in gnomAD. At this time, the clinical significance of this variant is uncertain due to the absence of conclusive functional and genetic evidence.